The following is an entry in ClinVar:

NM_006648.4(WNK2):c.4816C>A (p.Pro1606Thr)

Gene: WNK2 (WNK lysine deficient protein kinase 2; plus strand). Cytogenetic location: 9q22.31.
Variant type: single nucleotide variant.
Coding change: c.4816C>A on transcript NM_006648.4 (MANE Select); coding-DNA position 4816, C replaced by A.
Protein change: p.Pro1606Thr; replaces proline 1606 with threonine.
Molecular consequence: missense variant.
Genome position (GRCh38, 1-based): chr9:93,289,570, C>A. VCF-style: chr9-93289570-C-A. GRCh37 (hg19) VCF-style: chr9-96051852-C-A.
Other names: c.4927C>A, p.Pro1643Thr (NM_001282394.3); short protein forms P1606T, P1643T.
Identifiers: ClinVar variation 4866517 (VCV004866517.1).

ClinVar aggregate classification (germline): Uncertain significance (1 of 4 stars; one submission).

Submission:

Ambry Genetics
Classification: Uncertain significance. Last evaluated: 2026-03-17. Review status: criteria provided, single submitter. Criteria: Ambry Variant Classification Scheme 2023. Collection method: clinical testing. Allele origin: germline.
Comment: The p.P1606T variant (also known as c.4816C>A), located in coding exon 19 of the WNK2 gene, results from a C to A substitution at nucleotide position 4816. The proline at codon 1606 is replaced by threonine, an amino acid with highly similar properties. This amino acid position is conserved. In addition, this alteration is predicted to be tolerated by in silico analysis. Based on the available evidence, the clinical significance of this variant remains unclear.